The following is an entry in ClinVar:

NM_001134793.2(HYLS1):c.674C>G (p.Ser225Ter)

Genes: PUS3 (pseudouridine synthase 3; minus strand), HYLS1 (HYLS1 centriolar and ciliogenesis associated; plus strand). Cytogenetic location: 11q24.2.
Variant type: single nucleotide variant.
Coding change: c.674C>G on transcript NM_001134793.2 (MANE Select); coding-DNA position 674, C replaced by G.
Protein change: p.Ser225Ter; replaces serine 225 with a stop codon.
Molecular consequence: nonsense. On other transcripts: intron variant (7).
Genome position (GRCh38, 1-based): chr11:125,900,042, C>G. VCF-style: chr11-125900042-C-G. GRCh37 (hg19) VCF-style: chr11-125769937-C-G.
Other names: c.674C>G, p.Ser225Ter (NM_001424364.1, NM_145014.3, NM_001377269.1 and 1 more transcripts); c.-247+3128G>C (NM_001271985.2); c.-47+3128G>C (NM_001441241.1, NM_001441239.1, NM_031307.4); c.-247+637G>C (NM_001441238.1); c.-47+637G>C (NM_001441240.1, NM_001441237.1); short protein forms S225*.
Identifiers: ClinVar variation 4816856 (VCV004816856.1).

ClinVar aggregate classification (germline): Likely pathogenic (1 of 4 stars; one submission).

Conditions:
Hydrolethalus syndrome. Identifiers: Orphanet 2189, MedGen C2931104, MONDO:0006037.

Submission:

Natera, Inc.
Classification: Likely pathogenic for Hydrolethalus syndrome. Last evaluated: 2025-12-08. Review status: criteria provided, single submitter. Criteria: Natera Variant Classification Schema (03/2026). Collection method: clinical testing. Allele origin: germline.
Comment: The c.674C>G variant in HYLS1 is a nonsense variant predicted to introduce a stop codon at amino acid 225. This variant is expected to result in nonsense mediated decay, truncation, or a dysfunctional protein product. This variant is rare in the general population with a frequency below the threshold expected for the associated phenotype(s). Given the available evidence, this variant is classified as Likely Pathogenic.